The following is an entry in ClinVar:

NM_001369268.1(ACAN):c.1032C>A (p.Tyr344Ter)

Gene: ACAN (aggrecan; plus strand). Cytogenetic location: 15q26.1.
Variant type: single nucleotide variant.
Coding change: c.1032C>A on transcript NM_001369268.1 (MANE Select); coding-DNA position 1032, C replaced by A.
Protein change: p.Tyr344Ter; replaces tyrosine 344 with a stop codon.
Molecular consequence: nonsense.
Genome position (GRCh38, 1-based): chr15:88,843,629, C>A. VCF-style: chr15-88843629-C-A. GRCh37 (hg19) VCF-style: chr15-89386860-C-A.
Other names: c.1032C>A, p.Tyr344Ter (NM_001135.4, NM_001411096.1, NM_001411097.1 and 1 more transcripts); short protein forms Y344*.
Identifiers: ClinVar variation 2693053 (VCV002693053.3), dbSNP rs762147927, ClinGen allele CA393708108.

ClinVar aggregate classification (germline): Pathogenic (1 of 4 stars; one submission).

Submission:

Labcorp Genetics (formerly Invitae), Labcorp
Classification: Pathogenic. Last evaluated: 2023-11-20. Review status: criteria provided, single submitter. Criteria: Invitae Variant Classification Sherloc (09022015). Collection method: clinical testing. Allele origin: germline.
Comment: This sequence change creates a premature translational stop signal (p.Tyr344*) in the ACAN gene. It is expected to result in an absent or disrupted protein product. Loss-of-function variants in ACAN are known to be pathogenic (PMID: 16080123, 24762113). This variant is not present in population databases (gnomAD no frequency). This premature translational stop signal has been observed in individual(s) with short stature (PMID: 35620465). For these reasons, this variant has been classified as Pathogenic.

Literature cited by the submitters: PubMed 16080123; PubMed 24762113; PubMed 35620465.